The following is an entry in ClinVar:

NM_001613.4(ACTA2):c.405T>A (p.Tyr135Ter)

Gene: ACTA2 (actin alpha 2, smooth muscle; minus strand). Cytogenetic location: 10q23.31.
Variant type: single nucleotide variant.
Coding change: c.405T>A on transcript NM_001613.4 (MANE Select); coding-DNA position 405, T replaced by A.
Protein change: p.Tyr135Ter; replaces tyrosine 135 with a stop codon.
Molecular consequence: nonsense.
Genome position (GRCh38, 1-based): chr10:88,941,834, A>T on the plus strand (T>A on the coding strand, the complement: ACTA2 is on the minus strand). VCF-style: chr10-88941834-A-T. GRCh37 (hg19) VCF-style: chr10-90701591-A-T.
Other names: c.405T>A, p.Tyr135Ter (NM_001141945.3, NM_001320855.2, NM_001406462.1 and 3 more transcripts); c.294T>A, p.Tyr98Ter (NM_001406466.1); c.276T>A, p.Tyr92Ter (NM_001406467.1, NM_001406468.1, NM_001406469.1); short protein forms Y135*, Y92*, Y98*.
Identifiers: ClinVar variation 4811020 (VCV004811020.1).

ClinVar aggregate classification (germline): Uncertain significance (1 of 4 stars; one submission).

Conditions:
Aortic aneurysm, familial thoracic 6 (AAT6). Also called: FAMILIAL THORACIC AORTIC ANEURYSM WITH LIVEDO RETICULARIS AND IRIS FLOCCULI. Identifiers: MedGen C2673186, MONDO:0012730, OMIM 611788.

gnomAD v4.1: 2 of 1,613,276 alleles (0.00012%); highest among the groups gnomAD compares: Non-Finnish European, 0.00017%; no homozygotes.

Submission:

Labcorp Genetics (formerly Invitae), Labcorp
Classification: Uncertain significance for Aortic aneurysm, familial thoracic 6. Last evaluated: 2025-04-22. Review status: criteria provided, single submitter. Criteria: Invitae Variant Classification Sherloc (09022015). Collection method: clinical testing. Allele origin: germline.
Comment: This sequence change creates a premature translational stop signal (p.Tyr135*) in the ACTA2 gene. It is expected to result in an absent or disrupted protein product. However, the current clinical and genetic evidence is not sufficient to establish whether loss-of-function variants in ACTA2 cause disease. The frequency data for this variant in the population databases is considered unreliable, as metrics indicate poor data quality at this position in the gnomAD database. This variant has not been reported in the literature in individuals affected with ACTA2-related conditions. In summary, the available evidence is currently insufficient to determine the role of this variant in disease. Therefore, it has been classified as a Variant of Uncertain Significance.